The following is an entry in ClinVar:

ClinVar aggregate classification (germline): Pathogenic/Likely pathogenic. Review status: criteria provided, multiple submitters, no conflicts (2 of 4 stars). 5 submissions from 5 submitters: Pathogenic (4); Likely pathogenic (1). Last evaluated 2025-09-16.

Conditions:
Neurofibromatosis, type 1 (NF1). Also called: VON RECKLINGHAUSEN DISEASE; NEUROFIBROMATOSIS, TYPE I, SOMATIC; Peripheral type neurofibromatosis; Neurofibromatosis, type I. Identifiers: Orphanet 636, MedGen C0027831, MONDO:0018975, OMIM 162200. Disease mechanism: loss of function.
Cardiovascular phenotype. Identifiers: MedGen CN230736.
Hereditary cancer-predisposing syndrome. Also called: Hereditary Cancer Syndrome; Hereditary neoplastic syndrome; Tumor predisposition; Neoplastic Syndromes, Hereditary. Identifiers: Orphanet 140162, MedGen C0027672, MeSH D009386, MONDO:0015356.

Submissions (5):

Labcorp Genetics (formerly Invitae), Labcorp
Classification: Pathogenic for Neurofibromatosis, type 1. Last evaluated: 2025-09-16. Review status: criteria provided, single submitter. Criteria: Invitae Variant Classification Sherloc (09022015). Collection method: clinical testing. Allele origin: germline.
Comment: This sequence change creates a premature translational stop signal (p.Gln1101Valfs*4) in the NF1 gene. It is expected to result in an absent or disrupted protein product. Loss-of-function variants in NF1 are known to be pathogenic (PMID: 10712197, 23913538). This variant is not present in population databases (gnomAD no frequency). This variant has not been reported in the literature in individuals affected with NF1-related conditions. Invitae Evidence Modeling of clinical and family history, age, sex, and reported ancestry of multiple individuals with this NF1 variant has been performed. This variant is expected to be pathogenic with a positive predictive value of at least 99%. This is a validated machine learning model that incorporates the clinical features of 1,785,918 individuals referred to our laboratory for NF1 testing. ClinVar contains an entry for this variant (Variation ID: 457639). For these reasons, this variant has been classified as Pathogenic.

GeneDx
Classification: Pathogenic. Last evaluated: 2024-10-31. Review status: criteria provided, single submitter. Criteria: GeneDx Variant Classification Process June 2021. Collection method: clinical testing. Allele origin: germline. Affected: yes.
Comment: Frameshift variant predicted to result in protein truncation or nonsense mediated decay in a gene for which loss of function is a known mechanism of disease; Not observed at significant frequency in large population cohorts (gnomAD); Also known as c.3300_3301del; This variant is associated with the following publications: (PMID: 31776437)

Ambry Genetics
Classification: Pathogenic for Cardiovascular phenotype; Hereditary cancer-predisposing syndrome. Last evaluated: 2024-10-09. Review status: criteria provided, single submitter. Criteria: Ambry Variant Classification Scheme 2023. Collection method: clinical testing. Allele origin: germline.
Comment: The c.3301_3302delCA pathogenic mutation, located in coding exon 25 of the NF1 gene, results from a deletion of two nucleotides at nucleotide positions 3301 to 3302, causing a translational frameshift with a predicted alternate stop codon (p.Q1101Vfs*4). This variant has been observed in at least one individual with a personal and/or family history that is consistent with Neurofibromatosis type 1 (Ambry internal data). This alteration was identified in a cohort of 427 Korean patients with a confirmed or suspected clinical diagnosis of neurofibromatosis type 1 (Kang E et al. J Hum Genet, 2020 Jan;65:79-89). This variant is considered to be rare based on population cohorts in the Genome Aggregation Database (gnomAD). This alteration is expected to result in loss of function by premature protein truncation or nonsense-mediated mRNA decay. As such, this alteration is interpreted as a disease-causing mutation.

Genome-Nilou Lab
Classification: Likely pathogenic for Neurofibromatosis, type 1. Last evaluated: 2022-03-15. Review status: criteria provided, single submitter. Criteria: ACMG Guidelines, 2015. Collection method: clinical testing. Allele origin: germline. Affected: no.

Genome Diagnostics Laboratory, The Hospital for Sick Children
Classification: Pathogenic for Neurofibromatosis, type 1. Last evaluated: 2020-10-26. Review status: criteria provided, single submitter. Criteria: ACMG Guidelines, 2015. Collection method: clinical testing. Allele origin: germline. Affected: yes.

Literature cited by the submitters: PubMed 10712197 (cited by Labcorp Genetics (formerly Invitae), Labcorp); PubMed 23913538 (cited by Labcorp Genetics (formerly Invitae), Labcorp); PubMed 31776437 (cited by Ambry Genetics).

NM_001042492.3(NF1):c.3301_3302del (p.Gln1101fs)

Gene: NF1 (neurofibromin 1; plus strand). Cytogenetic location: 17q11.2.
Variant type: Microsatellite.
Coding change: c.3301_3302del on transcript NM_001042492.3 (MANE Select); coding-DNA positions 3301 to 3302, 2 bases deleted (CA; older notation c.3301_3302delCA).
Protein change: p.Gln1101fs; shifts the reading frame from glutamine 1101.
Molecular consequence: frameshift variant.
Genome position (GRCh38, 1-based): chr17:31,232,176-31,232,177, CA deleted; deleting any 2 consecutive bases within chr17:31,232,174-31,232,177 gives the same sequence; the c. name uses the placement nearest the transcript's 3' end. VCF-style (leftmost placement, unchanged base first): chr17-31232173-TCA-T. GRCh37 (hg19) VCF-style: chr17-29559191-TCA-T.
Other names: c.3301_3302delCA (NM_000267.3); c.3299_3300CA[1], p.Gln1101Valfs (NM_000267.4); short protein forms Q1101fs.
Identifiers: ClinVar variation 457639 (VCV000457639.13), dbSNP rs1555614866, ClinGen allele CA658656576.